The following is an entry in ClinVar:

NM_000492.4(CFTR):c.1666A>C (p.Ile556Leu)

Genes: CFTR (CF transmembrane conductance regulator; plus strand), LOC111674475 (CFTR intron 11 enhancer; plus strand). Cytogenetic location: 7q31.2.
Variant type: single nucleotide variant.
Coding change: c.1666A>C on transcript NM_000492.4 (MANE Select); coding-DNA position 1666, A replaced by C.
Protein change: p.Ile556Leu; replaces isoleucine 556 with leucine.
Molecular consequence: missense variant.
Genome position (GRCh38, 1-based): chr7:117,587,820, A>C. VCF-style: chr7-117587820-A-C. GRCh37 (hg19) VCF-style: chr7-117227874-A-C.
Other names: short protein forms I556L.
Identifiers: ClinVar variation 1777570 (VCV001777570.2), dbSNP rs75789129, ClinGen allele CA368976166.
Genomic context (GRCh38, chr7:117,587,820, plus strand): 5'-AAAGACAATATAGTTCTTGGAGAAGGTGGAATCACACTGAGTGGAGGTCAACGAGCAAGA[A>C]TTTCTTTAGCAAGGTGAATAACTAATTATTGGTCTAGCAAGCATTTGCTGTAAATGTCAT-3'
Protein context (NP_000483.3, residues 546-566): ITLSGGQRAR[Ile556Leu]SLARAVYKDA

ClinVar aggregate classification (germline): Uncertain significance (1 of 4 stars; one submission).

Conditions:
Cystic fibrosis (CF). Also called: MUCOVISCIDOSIS. Identifiers: Orphanet 586, MedGen C0010674, MONDO:0009061, OMIM 219700. Disease mechanism: loss of function.

Submission:

Ambry Genetics
Classification: Uncertain significance for Cystic fibrosis. Last evaluated: 2021-09-26. Review status: criteria provided, single submitter. Criteria: Ambry Variant Classification Scheme 2023. Collection method: clinical testing. Allele origin: germline.
Comment: The p.I556L variant (also known as c.1666A>C), located in coding exon 12 of the CFTR gene, results from an A to C substitution at nucleotide position 1666. The isoleucine at codon 556 is replaced by leucine, an amino acid with highly similar properties. This amino acid position is conserved. In addition, the in silico prediction for this alteration is inconclusive. Since supporting evidence is limited at this time, the clinical significance of this alteration remains unclear.